The following is an entry in ClinVar:

NM_005430.4(WNT1):c.780C>A (p.Asn260Lys)

Gene: WNT1 (Wnt family member 1; plus strand). Cytogenetic location: 12q13.12.
Variant type: single nucleotide variant.
Coding change: c.780C>A on transcript NM_005430.4 (MANE Select); coding-DNA position 780, C replaced by A.
Protein change: p.Asn260Lys; replaces asparagine 260 with lysine.
Molecular consequence: missense variant.
Genome position (GRCh38, 1-based): chr12:48,981,307, C>A. VCF-style: chr12-48981307-C-A. GRCh37 (hg19) VCF-style: chr12-49375090-C-A.
Other names: c.780C>A (NM_005430.3); short protein forms N260K.
Identifiers: ClinVar variation 3251665 (VCV003251665.3), dbSNP rs2498948659.

ClinVar aggregate classification (germline): Uncertain significance. Review status: criteria provided, multiple submitters, no conflicts (2 of 4 stars). 3 submissions from 3 submitters: Uncertain significance (3). Last evaluated 2025-05-30.

Allele frequency attached by ClinVar (database versions not stated): gnomAD exomes below 0.00001.
gnomAD v4.1: 1 of 1,581,724 alleles (0.000063%); highest among the groups gnomAD compares: South Asian, 0.0011%; no homozygotes.

Submissions (3):

GeneDx
Classification: Uncertain significance. Last evaluated: 2025-05-30. Review status: criteria provided, single submitter. Criteria: GeneDx Variant Classification Process June 2021. Collection method: clinical testing. Allele origin: germline. Affected: yes.
Comment: Not observed at significant frequency in large population cohorts (gnomAD); In silico analysis supports that this missense variant has a deleterious effect on protein structure/function; Has not been previously published as pathogenic or benign to our knowledge

Women's Health and Genetics/Laboratory Corporation of America, LabCorp
Classification: Uncertain significance. Last evaluated: 2024-04-26. Review status: criteria provided, single submitter. Criteria: LabCorp Variant Classification Summary - May 2015. Collection method: clinical testing. Allele origin: germline.
Comment: Variant summary: WNT1 c.780C>A (p.Asn260Lys) results in a non-conservative amino acid change in the encoded protein sequence. Three of five in-silico tools predict a damaging effect of the variant on protein function. The variant was absent in 185992 control chromosomes. The available data on variant occurrences in the general population are insufficient to allow any conclusion about variant significance. To our knowledge, no occurrence of c.780C>A in individuals affected with Osteogenesis Imperfecta and no experimental evidence demonstrating its impact on protein function have been reported. No submitters have cited clinical-significance assessments for this variant to ClinVar. Based on the evidence outlined above, the variant was classified as uncertain significance.

Blueprint Genetics
Classification: Uncertain significance. Last evaluated: 2020-07-15. Review status: criteria provided, single submitter. Criteria: ACMG Guidelines, 2015. Collection method: clinical testing. Allele origin: germline.